The following is an entry in ClinVar:

ClinVar aggregate classification (germline): Benign (0 of 4 stars; one submission).

Conditions:
SEMA4D-related disorder. Also called: SEMA4D-related condition.

Allele frequency attached by ClinVar (database versions not stated): gnomAD exomes 0.00100; ExAC 0.00311; gnomAD 0.00950; TOPMed 0.01062; ESP Exome Variant Server 0.01184; 1000 Genomes Project 0.01238; 1000 Genomes Project 30x 0.01374.
gnomAD v4.1: 2,942 of 1,614,220 alleles (0.18%); highest among the groups gnomAD compares: African/African-American, 3.4%; 45 homozygotes.

Submission:

PreventionGenetics, part of Exact Sciences
Classification: Benign for SEMA4D-related condition. Last evaluated: 2019-02-25. Review status: no assertion criteria provided. Collection method: clinical testing. Allele origin: germline.
Comment: This variant is classified as benign based on ACMG/AMP sequence variant interpretation guidelines (Richards et al. 2015 PMID: 25741868, with internal and published modifications).

NM_001371194.2(SEMA4D):c.672C>T (p.Pro224=)

Gene: SEMA4D (semaphorin 4D; minus strand). Cytogenetic location: 9q22.2.
Variant type: single nucleotide variant.
Coding change: c.672C>T on transcript NM_001371194.2 (MANE Select); coding-DNA position 672, C replaced by T.
Protein change: p.Pro224=; no amino-acid change (proline 224 retained).
Molecular consequence: synonymous variant. On other transcripts: non-coding transcript variant (6).
Genome position (GRCh38, 1-based): chr9:89,391,366, G>A on the plus strand (C>T on the coding strand, the complement: SEMA4D is on the minus strand). VCF-style: chr9-89391366-G-A. GRCh37 (hg19) VCF-style: chr9-92006281-G-A.
Other names: c.672C>T, p.Pro224= (NM_001142287.2, NM_001371195.1, NM_001371196.1 and 7 more transcripts).
Identifiers: ClinVar variation 3056800 (VCV003056800.2), dbSNP rs116833424, ClinGen allele CA5118617.